The following is an entry in ClinVar:

NM_000551.4(VHL):c.370A>G (p.Thr124Ala)

Genes: VHL (von Hippel-Lindau tumor suppressor; plus strand), LOC107303340 (3p25 von Hippel-Lindau tumor suppressor, E3 ubiquitin protein ligase Alu-mediated recombination region; plus strand). Cytogenetic location: 3p25.3.
Variant type: single nucleotide variant.
Coding change: c.370A>G on transcript NM_000551.4 (MANE Select); coding-DNA position 370, A replaced by G.
Protein change: p.Thr124Ala; replaces threonine 124 with alanine.
Molecular consequence: missense variant. On other transcripts: intron variant (2).
Genome position (GRCh38, 1-based): chr3:10,146,543, A>G. VCF-style: chr3-10146543-A-G. GRCh37 (hg19) VCF-style: chr3-10188227-A-G.
Other names: c.*18-3244A>G (NM_001354723.2); c.341-3244A>G (NM_198156.3); short protein forms T124A.
Identifiers: ClinVar variation 582981 (VCV000582981.8), dbSNP rs1559428091, ClinGen allele CA351753796.
Genomic context (GRCh38, chr3:10,146,543, plus strand): 5'-GCTCTTTAACAACCTTTGCTTGTCCCGATAGGTCACCTTTGGCTCTTCAGAGATGCAGGG[A>G]CACACGATGGGCTTCTGGTTAACCAAACTGAATTATTTGTGCCATCTCTCAATGTTGACG-3'
Protein context (NP_000542.1, residues 114-134): GHLWLFRDAG[Thr124Ala]HDGLLVNQTE

ClinVar aggregate classification (germline): Conflicting classifications of pathogenicity. Review status: criteria provided, conflicting classifications (1 of 4 stars). 2 submissions from 2 submitters: Pathogenic (1); Uncertain significance (1). Last evaluated 2023-12-29.

Conditions:
Von Hippel-Lindau syndrome (VHLS). Also called: Von Hippel-Lindau; VHL syndrome; von Hippel–Lindau syndrome. Identifiers: Orphanet 892, MedGen C0019562, MONDO:0008667, OMIM 193300. Disease mechanism: loss of function.
Chuvash polycythemia. Also called: POLYCYTHEMIA, VHL-DEPENDENT. Identifiers: Orphanet 238557, MedGen C1837915, MONDO:0009892, OMIM 263400.

Submissions (2):

GeneDx
Classification: Uncertain significance. Last evaluated: 2023-12-29. Review status: criteria provided, single submitter. Criteria: GeneDx Variant Classification Process June 2021. Collection method: clinical testing. Allele origin: germline. Affected: yes.
Comment: Published functional studies are inconclusive: no impact on HIF1A ubiquitination, but reduced protein stability (PMID: 23772956); Observed in trans with a second VHL variant in two siblings with congenital polycythemia, but has not been reported in association with VHL syndrome (PMID: 23772956); Not observed in large population cohorts (gnomAD); In silico analysis supports that this missense variant has a deleterious effect on protein structure/function; This variant is associated with the following publications: (PMID: 21715564, 24729484, 12624160, 33370224, 23772956)

Labcorp Genetics (formerly Invitae), Labcorp
Classification: Pathogenic for Von Hippel-Lindau syndrome; Chuvash polycythemia. Last evaluated: 2021-08-26. Review status: criteria provided, single submitter. Criteria: Invitae Variant Classification Sherloc (09022015). Collection method: clinical testing. Allele origin: germline.
Comment: This variant has been observed in individual(s) with congenital polycythemia (PMID: 233722956; Invitae). In at least one individual the data is consistent with the variant being in trans (on the opposite chromosome) from a pathogenic variant. It has also been observed to segregate with disease in related individuals. ClinVar contains an entry for this variant (Variation ID: 582981). Advanced modeling of protein sequence and biophysical properties (such as structural, functional, and spatial information, amino acid conservation, physicochemical variation, residue mobility, and thermodynamic stability) performed at Invitae indicates that this missense variant is expected to disrupt VHL protein function. Experimental studies have shown that this variant affects VHL function (PMID: 233722956). For these reasons, this variant has been classified as Pathogenic. This variant is not present in population databases (ExAC no frequency). This sequence change replaces threonine with alanine at codon 124 of the VHL protein (p.Thr124Ala). The threonine residue is highly conserved and there is a small physicochemical difference between threonine and alanine.

Literature cited by the submitters: PubMed 233722956 (cited by Labcorp Genetics (formerly Invitae), Labcorp).